The following is an entry in ClinVar:

ClinVar aggregate classification (germline): Pathogenic. Review status: criteria provided, single submitter (1 of 4 stars). 2 submissions from 2 submitters: Pathogenic (1). 1 of the submissions does not count toward it. Last evaluated 2019-05-20.

Conditions:
TBX5-related disorder. Also called: TBX5-related condition.
Aortic valve disease 2 (AOVD2). Identifiers: MedGen C3542024, MONDO:0013902, OMIM 614823.

Submissions (2):

Labcorp Genetics (formerly Invitae), Labcorp
Classification: Pathogenic for Aortic valve disease 2. Last evaluated: 2019-05-20. Review status: criteria provided, single submitter. Criteria: Invitae Variant Classification Sherloc (09022015). Collection method: clinical testing. Allele origin: germline.
Comment: This sequence change affects a donor splice site in intron 6 of the TBX5 gene. It is expected to disrupt RNA splicing and likely results in an absent or disrupted protein product. For these reasons, this variant has been classified as Pathogenic. Donor and acceptor splice site variants typically lead to a loss of protein function (PMID: 16199547), and loss-of-function variants in TBX5 are known to be pathogenic (PMID: 16183809, 16917909). Algorithms developed to predict the effect of sequence changes on RNA splicing suggest that this variant may disrupt the consensus splice site, but this prediction has not been confirmed by published transcriptional studies. Disruption of this splice site has been observed in individuals clinical features of Holt-Oram syndrome (PMID: 30143665, Invitae). This variant is not present in population databases (ExAC no frequency).

PreventionGenetics, part of Exact Sciences
Classification: Pathogenic for TBX5-related condition. Last evaluated: 2023-11-16. Review status: no assertion criteria provided. Collection method: clinical testing. Allele origin: germline. Not counted in ClinVar's aggregate classification.
Comment: The TBX5 c.663+1G>A variant is predicted to disrupt the GT donor site and interfere with normal splicing. To our knowledge, this variant has not been reported in the literature or in a large population database, indicating this variant is rare. A different nucleotide substitution affecting this consensus splice donor site, c.663+1G>C, has been reported to segregate in a family with congenital hand malformations (Qin et al. 2018. PubMed ID: 30143665). Variants that disrupt the consensus splice donor site in TBX5 are expected to be pathogenic. The c.663+1G>A variant is interpreted as pathogenic.

Literature cited by the submitters: PubMed 16199547 (cited by Labcorp Genetics (formerly Invitae), Labcorp); PubMed 16183809 (cited by Labcorp Genetics (formerly Invitae), Labcorp); PubMed 16917909 (cited by Labcorp Genetics (formerly Invitae), Labcorp); PubMed 30143665 (cited by Labcorp Genetics (formerly Invitae), Labcorp).

NM_181486.4(TBX5):c.663+1G>A

Gene: TBX5 (T-box transcription factor 5; minus strand). Cytogenetic location: 12q24.21.
Variant type: single nucleotide variant.
Coding change: c.663+1G>A on transcript NM_181486.4 (MANE Select); the canonical splice donor site of the intron after coding-DNA position 663, G replaced by A.
Molecular consequence: splice donor variant.
Genome position (GRCh38, 1-based): chr12:114,394,740, C>T on the plus strand (G>A on the coding strand, the complement: TBX5 is on the minus strand). VCF-style: chr12-114394740-C-T. GRCh37 (hg19) VCF-style: chr12-114832545-C-T.
Other names: c.513+1G>A (NM_080717.4); c.663+1G>A (NM_000192.3).
Identifiers: ClinVar variation 849438 (VCV000849438.11), dbSNP rs1871328488, ClinGen allele CA386861278.